The following is an entry in ClinVar:

NM_002354.3(EPCAM):c.553T>A (p.Leu185Met)

Gene: EPCAM (epithelial cell adhesion molecule; plus strand). Cytogenetic location: 2p21.
Variant type: single nucleotide variant.
Coding change: c.553T>A on transcript NM_002354.3 (MANE Select); coding-DNA position 553, T replaced by A.
Protein change: p.Leu185Met; replaces leucine 185 with methionine.
Molecular consequence: missense variant.
Genome position (GRCh38, 1-based): chr2:47,377,075, T>A. VCF-style: chr2-47377075-T-A. GRCh37 (hg19) VCF-style: chr2-47604214-T-A.
Other names: short protein forms L185M.
Identifiers: ClinVar variation 3509206 (VCV003509206.1).
Genomic context (GRCh38, chr2:47,377,075, plus strand): 5'-GCACTTCAGAAGGAGATCACAACGCGTTATCAACTGGATCCAAAATTTATCACGAGTATT[T>A]TGGTATGATTTTTTAATAAGTGAGCTTTAGCAGACAGTTGGTGAGACAGTATGTTTTGAG-3'
Protein context (NP_002345.2, residues 175-195): QLDPKFITSI[Leu185Met]YENNVITIDL

ClinVar aggregate classification (germline): Uncertain significance (1 of 4 stars; one submission).

Conditions:
Hereditary cancer-predisposing syndrome. Also called: Tumor predisposition; Neoplastic Syndromes, Hereditary; Hereditary Cancer Syndrome; Hereditary neoplastic syndrome. Identifiers: Orphanet 140162, MedGen C0027672, MeSH D009386, MONDO:0015356.

Submission:

Ambry Genetics
Classification: Uncertain significance for Hereditary cancer-predisposing syndrome. Last evaluated: 2024-12-08. Review status: criteria provided, single submitter. Criteria: Ambry Variant Classification Scheme 2023. Collection method: clinical testing. Allele origin: germline.
Comment: The p.L185M variant (also known as c.553T>A), located in coding exon 5 of the EPCAM gene, results from a T to A substitution at nucleotide position 553. The leucine at codon 185 is replaced by methionine, an amino acid with highly similar properties. This amino acid position is conserved. In addition, this alteration is predicted to be tolerated by in silico analysis. Based on the available evidence, the clinical significance of this variant remains unclear.